The following is an entry in ClinVar:

NM_000057.4(BLM):c.1108C>T (p.Gln370Ter)

Gene: BLM (BLM RecQ like helicase; plus strand). Cytogenetic location: 15q26.1.
Variant type: single nucleotide variant.
Coding change: c.1108C>T on transcript NM_000057.4 (MANE Select); coding-DNA position 1108, C replaced by T.
Protein change: p.Gln370Ter; replaces glutamine 370 with a stop codon.
Molecular consequence: nonsense. On other transcripts: 5 prime UTR variant (1).
Genome position (GRCh38, 1-based): chr15:90,760,167, C>T. VCF-style: chr15-90760167-C-T. GRCh37 (hg19) VCF-style: chr15-91303397-C-T.
Other names: c.1108C>T (NM_000057.2); c.1108C>T, p.Gln370Ter (NM_001287246.2, NM_001287247.2); c.-18C>T (NM_001287248.2); short protein forms Q370*.
Identifiers: ClinVar variation 872788 (VCV000872788.43), dbSNP rs1895931425, ClinGen allele CA393842324.

ClinVar aggregate classification (germline): Pathogenic. Review status: criteria provided, multiple submitters, no conflicts (2 of 4 stars). 2 submissions from 2 submitters: Pathogenic (2). Last evaluated 2023-07-27.

Conditions:
Hereditary cancer-predisposing syndrome. Also called: Hereditary Cancer Syndrome; Tumor predisposition; Hereditary neoplastic syndrome; Neoplastic Syndromes, Hereditary. Identifiers: Orphanet 140162, MedGen C0027672, MeSH D009386, MONDO:0015356.

Allele frequency attached by ClinVar (database versions not stated): gnomAD exomes below 0.00001.
gnomAD v4.1: 1 of 1,610,852 alleles (0.000062%); highest among the groups gnomAD compares: South Asian, 0.0011%; no homozygotes.

Submissions (2):

Ambry Genetics
Classification: Pathogenic for Hereditary cancer-predisposing syndrome. Last evaluated: 2023-07-27. Review status: criteria provided, single submitter. Criteria: Ambry Variant Classification Scheme 2023. Collection method: clinical testing. Allele origin: germline.
Comment: The p.Q370* pathogenic mutation (also known as c.1108C>T), located in coding exon 5 of the BLM gene, results from a C to T substitution at nucleotide position 1108. This changes the amino acid from a glutamine to a stop codon within coding exon 5. This alteration is expected to result in loss of function by premature protein truncation or nonsense-mediated mRNA decay. As such, this alteration is interpreted as a disease-causing mutation.

CeGaT Center for Human Genetics Tuebingen
Classification: Pathogenic. Last evaluated: 2017-08-01. Review status: criteria provided, single submitter. Criteria: CeGaT Center For Human Genetics Tuebingen Variant Classification Criteria Version 2. Collection method: clinical testing. Allele origin: germline. Affected: yes. Observed: 1 variant allele.